The following is an entry in ClinVar:

NM_153240.5(NPHP3):c.152C>T (p.Ala51Val)

Genes: NPHP3 (nephrocystin 3; minus strand), NPHP3-ACAD11 (NPHP3-ACAD11 readthrough (NMD candidate); minus strand), NPHP3-AS1 (NPHP3 antisense RNA 1; plus strand), LOC129937586 (ATAC-STARR-seq lymphoblastoid silent region 14743; plus strand). Cytogenetic location: 3q22.1.
Variant type: single nucleotide variant.
Coding change: c.152C>T on transcript NM_153240.5 (MANE Select); coding-DNA position 152, C replaced by T.
Protein change: p.Ala51Val; replaces alanine 51 with valine.
Molecular consequence: missense variant. On other transcripts: non-coding transcript variant (3).
Genome position (GRCh38, 1-based): chr3:132,722,204, G>A on the plus strand (C>T on the coding strand, the complement: NPHP3 is on the minus strand). VCF-style: chr3-132722204-G-A. GRCh37 (hg19) VCF-style: chr3-132441048-G-A.
Other names: short protein forms A51V.
Identifiers: ClinVar variation 843396 (VCV000843396.11), dbSNP rs577583077, ClinGen allele CA2622700.

ClinVar aggregate classification (germline): Conflicting classifications of pathogenicity. Review status: criteria provided, conflicting classifications (1 of 4 stars). 5 submissions from 5 submitters: Uncertain significance (3); Likely benign (2). Last evaluated 2026-06-17.

Conditions:
NPHP3-related Meckel-like syndrome. Also called: GOLDSTON SYNDROME; Meckel syndrome type 7. Identifiers: Orphanet 3032, MedGen C2673885, MONDO:0009966, OMIM 267010.
Renal-hepatic-pancreatic dysplasia 1 (RHPD1). Identifiers: MedGen C3715199, MONDO:0008833, OMIM 208540.
Nephronophthisis 3 (NPHP3). Also called: Adolescent nephronophthisis. Identifiers: Orphanet 655, MedGen C1858392, MONDO:0011456, OMIM 604387.
NPHP3-related disorder. Also called: NPHP3-related condition; NPHP3-related disorders. Identifiers: MedGen CN379163.
Nephronophthisis. Also called: Juvenile Nephronophthisis. Identifiers: Orphanet 655, MedGen C0687120, MONDO:0019005, HP:0000090.

Allele frequency attached by ClinVar (database versions not stated): 1000 Genomes Project below 0.00001; ExAC 0.00017; TOPMed 0.00034.
gnomAD v4.1: 118 of 1,510,812 alleles (0.0078%); highest among the groups gnomAD compares: African/African-American, 0.077%; no homozygotes.

Submissions (5):

PreventionGenetics, part of Exact Sciences
Classification: Uncertain significance for NPHP3-related condition. Last evaluated: 2026-06-17. Review status: criteria provided, single submitter. Criteria: ACMG Guidelines, 2015. Collection method: clinical testing. Allele origin: germline.
Comment: The NPHP3 c.152C>T variant is predicted to result in the amino acid substitution p.Ala51Val. To our knowledge, this variant has not been reported in the literature. This variant is reported in 0.056% of alleles in individuals of African descent in gnomAD, which may be too common to be a primary cause of disease. Although we suspect that this variant may be benign, at this time, the clinical significance of this variant is uncertain due to the absence of conclusive functional and genetic evidence.

Labcorp Genetics (formerly Invitae), Labcorp
Classification: Likely benign for Nephronophthisis. Last evaluated: 2025-12-16. Review status: criteria provided, single submitter. Criteria: Invitae Variant Classification Sherloc (09022015). Collection method: clinical testing. Allele origin: germline.

Fulgent Genetics
Classification: Uncertain significance for Renal-hepatic-pancreatic dysplasia 1; NPHP3-related Meckel-like syndrome; Nephronophthisis 3. Last evaluated: 2024-05-14. Review status: criteria provided, single submitter. Criteria: ACMG Guidelines, 2015. Collection method: clinical testing. Allele origin: germline.

Blueprint Genetics
Classification: Likely benign. Last evaluated: 2022-11-28. Review status: criteria provided, single submitter. Criteria: ACMG Guidelines, 2015. Collection method: clinical testing. Allele origin: germline.

Breakthrough Genomics
Classification: Uncertain significance. Review status: criteria provided, single submitter. Criteria: ACMG Guidelines, 2015. Collection method: not provided. Allele origin: germline. Inheritance: Autosomal recessive inheritance. Affected: yes.